The following is an entry in ClinVar:

NM_000059.4(BRCA2):c.907del (p.Ser303fs)

Gene: BRCA2 (BRCA2 DNA repair associated; plus strand). Cytogenetic location: 13q13.1.
Variant type: Deletion.
Coding change: c.907del on transcript NM_000059.4 (MANE Select); coding-DNA position 907, one base deleted (T; older notation c.907delT).
Protein change: p.Ser303fs; shifts the reading frame from serine 303.
Molecular consequence: frameshift variant. On other transcripts: non-coding transcript variant (1), intron variant (1).
Genome position (GRCh38, 1-based): chr13:32,332,385, T deleted. VCF-style (leftmost placement, unchanged base first): chr13-32332384-CT-C. GRCh37 (hg19) VCF-style: chr13-32906521-CT-C.
Other names: c.907del, p.Ser303fs (NM_001406719.1, NM_001406720.1, NM_001406721.1 and 1 more transcripts); c.424+1355del (NM_001406722.1); short protein forms S303fs.
Identifiers: ClinVar variation 3893674 (VCV003893674.1).

ClinVar aggregate classification (germline): Pathogenic (1 of 4 stars; one submission).

Conditions:
Hereditary cancer-predisposing syndrome. Also called: Neoplastic Syndromes, Hereditary; Tumor predisposition; Hereditary Cancer Syndrome; Hereditary neoplastic syndrome. Identifiers: Orphanet 140162, MedGen C0027672, MeSH D009386, MONDO:0015356.

Submission:

Molecular Diagnostics Laboratory, Catalan Institute of Oncology
Classification: Pathogenic for Hereditary cancer-predisposing syndrome. Last evaluated: 2024-11-28. Review status: criteria provided, single submitter. Criteria: ClinGen BRCA1BRCA2 ACMG Specifications BRCA2 V1.0.0. Collection method: clinical testing. Allele origin: germline.
Comment: PVS1, PM5_PTC_Strong c.907del, located in exon 10 of the BRCA2 gene, consists in the deletion of one nucleotide, causing a translational frameshift with a predicted alternate stop codon, p.(Ser303Leufs*21). This alteration is expected to result in loss of function by premature protein truncation and nonsense-mediated mRNA decay (PVS1, PM5_PTC_Strong). It is not present in the population database gnomAD v2.1.1, non cancer dataset. No effect is predicted on splicing by SpliceAI. To our knowledge, neither relevant clinical data nor well-established functional studies have been reported for this variant.This variant has not been reported in the ClinVar database, LOVD or BRCA Exhange database. Based on currently available information, the variant c.907del should be considered a pathogenic variant.